The following is an entry in ClinVar:

NM_001374736.1(DST):c.5207A>G (p.Tyr1736Cys)

Gene: DST (dystonin; minus strand). Cytogenetic location: 6p12.1.
Variant type: single nucleotide variant.
Coding change: c.5207A>G on transcript NM_001374736.1 (MANE Select); coding-DNA position 5207, A replaced by G.
Protein change: p.Tyr1736Cys; replaces tyrosine 1736 with cysteine.
Molecular consequence: missense variant.
Genome position (GRCh38, 1-based): chr6:56,610,503, T>C on the plus strand (A>G on the coding strand, the complement: DST is on the minus strand). VCF-style: chr6-56610503-T-C. GRCh37 (hg19) VCF-style: chr6-56475301-T-C.
Other names: c.5108A>G, p.Tyr1703Cys (NM_001144769.5); c.4694A>G, p.Tyr1565Cys (NM_001144770.2); c.5207A>G, p.Tyr1736Cys (NM_001374722.1); c.4574A>G, p.Tyr1525Cys (NM_001374729.1, NM_001374730.1, NM_001386100.1 and 1 more transcripts); c.5234A>G, p.Tyr1745Cys (NM_001374734.1); c.3596A>G, p.Tyr1199Cys (NM_015548.5); c.5108A>G (NM_001144769.2); short protein forms Y1525C, Y1199C, Y1565C, Y1703C, Y1736C, Y1745C.
Identifiers: ClinVar variation 1450047 (VCV001450047.8), dbSNP rs570397443, ClinGen allele CA3869773.

ClinVar aggregate classification (germline): Uncertain significance. Review status: criteria provided, multiple submitters, no conflicts (2 of 4 stars). 2 submissions from 2 submitters: Uncertain significance (2). Last evaluated 2025-08-13.

Conditions:
Inborn genetic diseases. Identifiers: MedGen C0950123, MeSH D030342.
Hereditary sensory and autonomic neuropathy type 6. Also called: HSAN VI; Neuropathy, hereditary sensory and autonomic, type VI. Identifiers: Orphanet 314381, MedGen C3539003, MONDO:0013839, OMIM 614653.
Epidermolysis bullosa simplex 3, localized or generalized intermediate, with BP230 deficiency (EBS3). Also called: Epidermolysis bullosa simplex, autosomal recessive 2; Epidermolysis bullosa simplex due to BP230 deficiency. Identifiers: Orphanet 412181, MedGen C3809470, MONDO:0014180, OMIM 615425.

Allele frequency attached by ClinVar (database versions not stated): TOPMed below 0.00001; gnomAD exomes 0.00003 and 0.00004; gnomAD 0.00005; ExAC 0.00016; 1000 Genomes Project 0.00060; 1000 Genomes Project 30x 0.00062.
gnomAD v4.1: 49 of 1,567,762 alleles (0.0031%); highest among the groups gnomAD compares: South Asian, 0.05%; no homozygotes.

Submissions (2):

Labcorp Genetics (formerly Invitae), Labcorp
Classification: Uncertain significance for Epidermolysis bullosa simplex 3, localized or generalized intermediate, with BP230 deficiency; Hereditary sensory and autonomic neuropathy type 6. Last evaluated: 2025-08-13. Review status: criteria provided, single submitter. Criteria: Invitae Variant Classification Sherloc (09022015). Collection method: clinical testing. Allele origin: germline.
Comment: The DST gene has multiple clinically relevant transcripts. This variant occurs in alternate transcript NM_015548.4, and corresponds to NM_001723.5:c.*5014A>G in the primary transcript. This sequence change replaces tyrosine, which is neutral and polar, with cysteine, which is neutral and slightly polar, at codon 1199 of the DST protein (p.Tyr1199Cys). This variant is present in population databases (rs570397443, gnomAD 0.03%). This variant has not been reported in the literature in individuals affected with DST-related conditions. Experimental studies and prediction algorithms are not available or were not evaluated, and the functional significance of this variant is currently unknown. In summary, the available evidence is currently insufficient to determine the role of this variant in disease. Therefore, it has been classified as a Variant of Uncertain Significance.

Ambry Genetics
Classification: Uncertain significance for Inborn genetic diseases. Last evaluated: 2023-08-04. Review status: criteria provided, single submitter. Criteria: Ambry Variant Classification Scheme 2023. Collection method: clinical testing. Allele origin: germline.